The following is an entry in ClinVar:

ClinVar aggregate classification (germline): Uncertain significance (1 of 4 stars; one submission).

gnomAD v4.1: 3 of 1,613,406 alleles (0.00019%); highest among the groups gnomAD compares: African/African-American, 0.0027%; no homozygotes.

Submission:

Women's Health and Genetics/Laboratory Corporation of America, LabCorp
Classification: Uncertain significance. Last evaluated: 2025-10-22. Review status: criteria provided, single submitter. Criteria: LabCorp Variant Classification Summary - May 2015. Collection method: clinical testing. Allele origin: germline.
Comment: Variant summary: STK4 c.338T>C (p.Ile113Thr) results in a non-conservative amino acid change in the encoded protein sequence. Algorithms developed to predict the effect of missense changes on protein structure and function all suggest that this variant is likely to be disruptive. The variant allele was found at a frequency of 4e-06 in 251342 control chromosomes. The available data on variant occurrences in the general population are insufficient to allow any conclusion about variant significance. To our knowledge, no occurrence of c.338T>C in individuals affected with STK4-related conditions and no experimental evidence demonstrating its impact on protein function have been reported. No submitters have cited clinical-significance assessments for this variant to ClinVar. Based on the evidence outlined above, the variant was classified as uncertain significance.

NM_006282.5(STK4):c.338T>C (p.Ile113Thr)

Gene: STK4 (serine/threonine kinase 4; plus strand). Cytogenetic location: 20q13.12.
Variant type: single nucleotide variant.
Coding change: c.338T>C on transcript NM_006282.5 (MANE Select); coding-DNA position 338, T replaced by C.
Protein change: p.Ile113Thr; replaces isoleucine 113 with threonine.
Molecular consequence: missense variant.
Genome position (GRCh38, 1-based): chr20:44,981,921, T>C. VCF-style: chr20-44981921-T-C. GRCh37 (hg19) VCF-style: chr20-43610562-T-C.
Other names: c.338T>C, p.Ile113Thr (NM_001352385.2); short protein forms I113T.
Identifiers: ClinVar variation 4687116 (VCV004687116.1).